The following is an entry in ClinVar:

ClinVar aggregate classification (germline): Uncertain significance (1 of 4 stars; one submission).

Conditions:
Charcot-Marie-Tooth disease dominant intermediate E. Also called: CHARCOT-MARIE-TOOTH NEUROPATHY WITH FOCAL SEGMENTAL GLOMERULONEPHRITIS. Identifiers: Orphanet 93114, MedGen C4302667, MONDO:0013758, OMIM 614455.
Focal segmental glomerulosclerosis 5 (FSGS5). Identifiers: Orphanet 656, MedGen C2750475, MONDO:0013191, OMIM 613237.

Submission:

Labcorp Genetics (formerly Invitae), Labcorp
Classification: Uncertain significance for Charcot-Marie-Tooth disease dominant intermediate E; Focal segmental glomerulosclerosis 5. Last evaluated: 2023-06-09. Review status: criteria provided, single submitter. Criteria: Invitae Variant Classification Sherloc (09022015). Collection method: clinical testing. Allele origin: germline.
Comment: This variant is not present in population databases (gnomAD no frequency). This variant has not been reported in the literature in individuals affected with INF2-related conditions. Advanced modeling of protein sequence and biophysical properties (such as structural, functional, and spatial information, amino acid conservation, physicochemical variation, residue mobility, and thermodynamic stability) performed at Invitae indicates that this missense variant is not expected to disrupt INF2 protein function. In summary, the available evidence is currently insufficient to determine the role of this variant in disease. Therefore, it has been classified as a Variant of Uncertain Significance. This sequence change replaces threonine, which is neutral and polar, with alanine, which is neutral and non-polar, at codon 456 of the INF2 protein (p.Thr456Ala).

NM_022489.4(INF2):c.1366A>G (p.Thr456Ala)

Gene: INF2 (inverted formin 2; plus strand). Cytogenetic location: 14q32.33.
Variant type: single nucleotide variant.
Coding change: c.1366A>G on transcript NM_022489.4 (MANE Select); coding-DNA position 1366, A replaced by G.
Protein change: p.Thr456Ala; replaces threonine 456 with alanine.
Molecular consequence: missense variant.
Genome position (GRCh38, 1-based): chr14:104,707,633, A>G. VCF-style: chr14-104707633-A-G. GRCh37 (hg19) VCF-style: chr14-105173970-A-G.
Other names: c.1366A>G, p.Thr456Ala (NM_001031714.4, NM_001426862.1, NM_001426863.1 and 2 more transcripts); short protein forms T456A.
Identifiers: ClinVar variation 2939621 (VCV002939621.3), dbSNP rs2140668789, ClinGen allele CA391216750.